The following is an entry in ClinVar:

NM_001387430.1(SH2B1):c.1898-280C>A

Gene: SH2B1 (SH2B adaptor protein 1; plus strand). Cytogenetic location: 16p11.2.
Variant type: single nucleotide variant.
Coding change: c.1898-280C>A on transcript NM_001387430.1 (MANE Select); 280 bases into the intron before coding-DNA position 1898, C replaced by A.
Molecular consequence: intron variant.
Genome position (GRCh38, 1-based): chr16:28,873,167, C>A. VCF-style: chr16-28873167-C-A. GRCh37 (hg19) VCF-style: chr16-28884488-C-A.
Other names: c.1898-280C>A (NM_001308293.2, NM_001387404.1, NM_001145795.2); c.1898-3C>A (NM_015503.3, NM_001145812.2, NM_001145796.2); c.1951-3C>A (NM_001145797.2); c.890-3C>A (NM_001308294.2).
Identifiers: ClinVar variation 4992259 (VCV004992259.1).

ClinVar aggregate classification (germline): Uncertain significance (1 of 4 stars; one submission).

Conditions:
SH2B1-related disorder. Also called: SH2B1-related condition.

Submission:

PreventionGenetics, part of Exact Sciences
Classification: Uncertain significance for SH2B1-related condition. Last evaluated: 2026-07-28. Review status: criteria provided, single submitter. Criteria: ACMG Guidelines, 2015. Collection method: clinical testing. Allele origin: germline.
Comment: The SH2B1 c.1898-3C>A variant is predicted to interfere with splicing. This variant is predicted to alter splicing based on available splicing prediction software (SpliceAI, Jaganathan et al. 2019. PubMed ID: 30661751). However, the use of computer prediction software is not equivalent to functional evidence. To our knowledge, this variant has not been reported in the literature or in a large population database (gnomAD), indicating this variant is rare. At this time, the clinical significance of this variant is uncertain due to the absence of conclusive functional and genetic evidence.